The following is an entry in ClinVar:

ClinVar aggregate classification (germline): Likely pathogenic. Review status: criteria provided, multiple submitters, no conflicts (2 of 4 stars). 6 submissions from 6 submitters: Likely pathogenic (2). 4 of the submissions do not count toward it. Last evaluated 2026-01-31.

Conditions:
Cardiomyopathy, familial hypertrophic 27. Identifiers: MedGen C4748014, MONDO:0054838, OMIM 618052.
Cardiovascular phenotype. Identifiers: MedGen CN230736.

Allele frequency attached by ClinVar (database versions not stated): ExAC 0.00001; gnomAD exomes 0.00001; TOPMed 0.00001; gnomAD 0.00002.
gnomAD v4.1: 16 of 1,603,224 alleles (0.001%); highest among the groups gnomAD compares: Non-Finnish European, 0.0014%; no homozygotes.

Submissions (7):

Labcorp Genetics (formerly Invitae), Labcorp
Classification: Likely pathogenic. Last evaluated: 2026-01-31. Review status: criteria provided, single submitter. Criteria: Invitae Variant Classification Sherloc (09022015). Collection method: clinical testing. Allele origin: germline.
Comment: This sequence change affects an acceptor splice site in intron 9 of the ALPK3 gene. RNA analysis indicates that disruption of this splice site induces altered splicing and may result in an absent or altered protein product. This variant is present in population databases (rs762110595, gnomAD 0.003%). Disruption of this splice site has been observed in individual(s) with severe pediatric cardiomyopathy (PMID: 26846950). ClinVar contains an entry for this variant (Variation ID: 548939). Studies have shown that disruption of this splice site results in skipping of exon 10, and produces a non-functional protein and/or introduces a premature termination codon (PMID: 26846950). In summary, the currently available evidence indicates that the variant is pathogenic, but additional data are needed to prove that conclusively. Therefore, this variant has been classified as Likely Pathogenic.

Ambry Genetics
Classification: Likely pathogenic for Cardiovascular phenotype. Last evaluated: 2024-10-17. Review status: criteria provided, single submitter. Criteria: Ambry Variant Classification Scheme 2023. Collection method: clinical testing. Allele origin: germline.
Comment: The c.4736-1G>A intronic variant results from a G to A substitution one nucleotide before coding exon 10 of the ALPK3 gene. This variant has been detected in the heterozygous state in individuals with feature consistent with hypertrophic cardiomyopathy (van Lint FHM et al. Neth Heart J, 2019 Jun;27:304-309; Herkert JC et al. Am Heart J, 2020 Jul;225:108-119; Ambry internal data). This variant has also been identified in the homozygous state and/or in conjunction with other ALPK3 variant(s) in individual(s) with features consistent with severe, early-onset cardiomyopathy (Almomani R et al. J Am Coll Cardiol, 2016 Feb;67:515-25; Grutters LA et al. Circ Genom Precis Med, 2023 Oct;16:493-495). RNA studies have demonstrated that this alteration results in abnormal splicing leading to skipping of coding exon 10 (Almomani R et al. J Am Coll Cardiol, 2016 Feb;67:515-25). This nucleotide position is highly conserved in available vertebrate species. In silico splice site analysis predicts that this alteration will weaken the native splice acceptor site. In addition to the clinical data presented in the literature, alterations that disrupt the canonical splice site are expected to cause aberrant splicing, resulting in an abnormal protein or a transcript that is subject to nonsense-mediated mRNA decay. As such, this alteration is classified as likely pathogenic.

OMIM
Classification: Pathogenic for CARDIOMYOPATHY, FAMILIAL HYPERTROPHIC, 27. Last evaluated: 2025-02-20. Review status: no assertion criteria provided. Collection method: literature only. Allele origin: germline. Not counted in ClinVar's aggregate classification.

Clinical Genetics DNA and cytogenetics Diagnostics Lab, Erasmus MC, Erasmus Medical Center
Classification: Pathogenic. Review status: no assertion criteria provided. Collection method: clinical testing. Allele origin: germline. Affected: yes. Study: VKGL Data-share Consensus. Not counted in ClinVar's aggregate classification.

Clinical Genetics, Academic Medical Center
Classification: Pathogenic. Review status: no assertion criteria provided. Collection method: clinical testing. Allele origin: germline. Affected: yes. Study: VKGL Data-share Consensus. Not counted in ClinVar's aggregate classification.

Diagnostic Laboratory, Department of Genetics, University Medical Center Groningen
Classification: Pathogenic. Review status: no assertion criteria provided. Collection method: clinical testing. Allele origin: germline. Affected: yes. Study: VKGL Data-share Consensus. Not counted in ClinVar's aggregate classification.

Dr. Peter K. Rogan Lab, Western University
No classification provided (evidence only). Condition: Lung cancer. Review status: no classification provided. Collection method: in vitro. Allele origin: not applicable. Functional consequence: retained intron. Not counted in ClinVar's aggregate classification.

Literature cited by the submitters: PubMed 26846950 (cited by 3 submitters); PubMed 30847666 (cited by Ambry Genetics); PubMed 32480058 (cited by Ambry Genetics and OMIM); PubMed 37671554 (cited by Ambry Genetics).

NM_020778.5(ALPK3):c.4130-1G>A

Gene: ALPK3 (alpha kinase 3; plus strand). Cytogenetic location: 15q25.3.
Variant type: single nucleotide variant.
Coding change: c.4130-1G>A on transcript NM_020778.5 (MANE Select); the canonical splice acceptor site of the intron before coding-DNA position 4130, G replaced by A.
Molecular consequence: splice acceptor variant.
Genome position (GRCh38, 1-based): chr15:84,862,634, G>A. VCF-style: chr15-84862634-G-A. GRCh37 (hg19) VCF-style: chr15-85405865-G-A.
Other names: IVS9, G-A, -1.
Identifiers: ClinVar variation 548939 (VCV000548939.14), dbSNP rs762110595, ClinGen allele CA7709882.